The following is an entry in ClinVar:

NM_182961.4(SYNE1):c.4703T>C (p.Val1568Ala)

Gene: SYNE1 (spectrin repeat containing nuclear envelope protein 1; minus strand). Cytogenetic location: 6q25.2.
Variant type: single nucleotide variant.
Coding change: c.4703T>C on transcript NM_182961.4 (MANE Select); coding-DNA position 4703, T replaced by C.
Protein change: p.Val1568Ala; replaces valine 1568 with alanine.
Molecular consequence: missense variant.
Genome position (GRCh38, 1-based): chr6:152,430,197, A>G on the plus strand (T>C on the coding strand, the complement: SYNE1 is on the minus strand). VCF-style: chr6-152430197-A-G. GRCh37 (hg19) VCF-style: chr6-152751332-A-G.
Other names: c.4724T>C, p.Val1575Ala (NM_033071.5); short protein forms V1568A, V1575A.
Identifiers: ClinVar variation 1475693 (VCV001475693.8), dbSNP rs2154201070, ClinGen allele CA366141582.

ClinVar aggregate classification (germline): Uncertain significance (1 of 4 stars; one submission).

Conditions:
Autosomal recessive ataxia, Beauce type. Also called: SYNE1-Related Autosomal Recessive Cerebellar Ataxia; Spinocerebellar ataxia, autosomal recessive 8; ATAXIA, RECESSIVE, OF BEAUCE; SYNE1 Deficiency. Identifiers: Orphanet 88644, MedGen C1853116, MONDO:0012549, OMIM 610743.
Emery-Dreifuss muscular dystrophy 4, autosomal dominant (EDMD4). Also called: EMERY-DREIFUSS MUSCULAR DYSTROPHY 4 WITH VARIABLE FEATURES. Identifiers: Orphanet 261, MedGen C2751807, MONDO:0013071, OMIM 612998.

Submission:

Labcorp Genetics (formerly Invitae), Labcorp
Classification: Uncertain significance for Emery-Dreifuss muscular dystrophy 4, autosomal dominant; Autosomal recessive ataxia, Beauce type. Last evaluated: 2020-10-21. Review status: criteria provided, single submitter. Criteria: Invitae Variant Classification Sherloc (09022015). Collection method: clinical testing. Allele origin: germline.
Comment: In summary, the available evidence is currently insufficient to determine the role of this variant in disease. Therefore, it has been classified as a Variant of Uncertain Significance. Algorithms developed to predict the effect of missense changes on protein structure and function are either unavailable or do not agree on the potential impact of this missense change (SIFT: "Deleterious"; PolyPhen-2: "Benign"; Align-GVGD: "Class C0"). This variant has not been reported in the literature in individuals with SYNE1-related conditions. This variant is not present in population databases (ExAC no frequency). This sequence change replaces valine with alanine at codon 1575 of the SYNE1 protein (p.Val1575Ala). The valine residue is highly conserved and there is a small physicochemical difference between valine and alanine.